The following is an entry in ClinVar:

NM_001032283.3(TMPO):c.565+2061A>G

Gene: TMPO (thymopoietin; plus strand). Cytogenetic location: 12q23.1.
Variant type: single nucleotide variant.
Coding change: c.565+2061A>G on transcript NM_001032283.3 (MANE Select); 2061 bases into the intron after coding-DNA position 565, A replaced by G.
Molecular consequence: intron variant. On other transcripts: missense variant (1).
Genome position (GRCh38, 1-based): chr12:98,533,899, A>G. VCF-style: chr12-98533899-A-G. GRCh37 (hg19) VCF-style: chr12-98927677-A-G.
Other names: c.1642A>G, p.Thr548Ala (NM_003276.2); c.565+2061A>G (NM_001307975.2, NM_001032284.3); short protein forms T548A.
Identifiers: ClinVar variation 4865762 (VCV004865762.1).

ClinVar aggregate classification (germline): Uncertain significance (1 of 4 stars; one submission).

Submission:

Ambry Genetics
Classification: Uncertain significance. Last evaluated: 2026-04-02. Review status: criteria provided, single submitter. Criteria: Ambry Variant Classification Scheme 2023. Collection method: clinical testing. Allele origin: germline.
Comment: The p.T548A variant (also known as c.1642A>G), located in coding exon 4 of the TMPO gene, results from an A to G substitution at nucleotide position 1642. The threonine at codon 548 is replaced by alanine, an amino acid with similar properties. This amino acid position is conserved. In addition, this alteration is predicted to be tolerated by in silico analysis. Based on the available evidence, the clinical significance of this variant remains unclear.